The following is an entry in ClinVar:

NM_001031689.3(PLAA):c.670C>G (p.Leu224Val)

Gene: PLAA (phospholipase A2 activating protein; minus strand). Cytogenetic location: 9p21.2.
Variant type: single nucleotide variant.
Coding change: c.670C>G on transcript NM_001031689.3 (MANE Select); coding-DNA position 670, C replaced by G.
Protein change: p.Leu224Val; replaces leucine 224 with valine.
Molecular consequence: missense variant.
Genome position (GRCh38, 1-based): chr9:26,926,456, G>C on the plus strand (C>G on the coding strand, the complement: PLAA is on the minus strand). VCF-style: chr9-26926456-G-C. GRCh37 (hg19) VCF-style: chr9-26926454-G-C.
Other names: c.670C>G, p.Leu224Val (NM_001321546.2); c.670C>G (NM_001031689.2); short protein forms L224V.
Identifiers: ClinVar variation 1907844 (VCV001907844.3), dbSNP rs1824968122, ClinGen allele CA373133567.

ClinVar aggregate classification (germline): Uncertain significance. Review status: criteria provided, multiple submitters, no conflicts (2 of 4 stars). 2 submissions from 2 submitters: Uncertain significance (2). Last evaluated 2022-02-12.

Conditions:
Inborn genetic diseases. Identifiers: MedGen C0950123, MeSH D030342.

Allele frequency attached by ClinVar (database versions not stated): TOPMed below 0.00001.

Submissions (2):

Labcorp Genetics (formerly Invitae), Labcorp
Classification: Uncertain significance. Last evaluated: 2022-02-12. Review status: criteria provided, single submitter. Criteria: Invitae Variant Classification Sherloc (09022015). Collection method: clinical testing. Allele origin: germline.
Comment: This sequence change replaces leucine, which is neutral and non-polar, with valine, which is neutral and non-polar, at codon 224 of the PLAA protein (p.Leu224Val). This variant is not present in population databases (gnomAD no frequency). This variant has not been reported in the literature in individuals affected with PLAA-related conditions. Algorithms developed to predict the effect of missense changes on protein structure and function (SIFT, PolyPhen-2, Align-GVGD) all suggest that this variant is likely to be tolerated. In summary, the available evidence is currently insufficient to determine the role of this variant in disease. Therefore, it has been classified as a Variant of Uncertain Significance.

Ambry Genetics
Classification: Uncertain significance for Inborn genetic diseases. Last evaluated: 2021-04-20. Review status: criteria provided, single submitter. Criteria: Ambry Variant Classification Scheme 2023. Collection method: clinical testing. Allele origin: germline.
Comment: The c.670C>G (p.L224V) alteration is located in exon 5 (coding exon 5) of the PLAA gene. This alteration results from a C to G substitution at nucleotide position 670, causing the leucine (L) at amino acid position 224 to be replaced by a valine (V). The p.L224V alteration is predicted to be tolerated by in silico analysis. Based on insufficient or conflicting evidence, the clinical significance of this alteration remains unclear.